The following is an entry in ClinVar:

NM_003737.4(DCHS1):c.5903G>A (p.Arg1968His)

Gene: DCHS1 (dachsous cadherin-related 1; minus strand). Cytogenetic location: 11p15.4.
Variant type: single nucleotide variant.
Coding change: c.5903G>A on transcript NM_003737.4 (MANE Select); coding-DNA position 5903, G replaced by A.
Protein change: p.Arg1968His; replaces arginine 1968 with histidine.
Molecular consequence: missense variant.
Genome position (GRCh38, 1-based): chr11:6,627,136, C>T on the plus strand (G>A on the coding strand, the complement: DCHS1 is on the minus strand). VCF-style: chr11-6627136-C-T. GRCh37 (hg19) VCF-style: chr11-6648367-C-T.
Other names: short protein forms R1968H.
Identifiers: ClinVar variation 3022540 (VCV003022540.3), dbSNP rs747121973, ClinGen allele CA5859997.

ClinVar aggregate classification (germline): Uncertain significance (1 of 4 stars; one submission).

Allele frequency attached by ClinVar (database versions not stated): gnomAD 0.00002; TOPMed 0.00002; gnomAD exomes 0.00001.
gnomAD v4.1: 17 of 1,612,390 alleles (0.0011%); highest among the groups gnomAD compares: Admixed American, 0.01%; no homozygotes.

Submission:

Labcorp Genetics (formerly Invitae), Labcorp
Classification: Uncertain significance. Last evaluated: 2025-12-12. Review status: criteria provided, single submitter. Criteria: Invitae Variant Classification Sherloc (09022015). Collection method: clinical testing. Allele origin: germline.
Comment: This sequence change replaces arginine, which is basic and polar, with histidine, which is basic and polar, at codon 1968 of the DCHS1 protein (p.Arg1968His). This variant is present in population databases (rs747121973, gnomAD 0.009%). This variant has not been reported in the literature in individuals affected with DCHS1-related conditions. ClinVar contains an entry for this variant (Variation ID: 3022540). Invitae Evidence Modeling of protein sequence and biophysical properties (such as structural, functional, and spatial information, amino acid conservation, physicochemical variation, residue mobility, and thermodynamic stability) indicates that this missense variant is not expected to disrupt DCHS1 protein function with a negative predictive value of 95%. In summary, the available evidence is currently insufficient to determine the role of this variant in disease. Therefore, it has been classified as a Variant of Uncertain Significance.